The following is an entry in ClinVar:

ClinVar aggregate classification (germline): Uncertain significance (1 of 4 stars; one submission).

Conditions:
TRIO-related disorder. Also called: TRIO-related disorders; TRIO-related condition.

gnomAD v4.1: 5 of 1,594,212 alleles (0.00031%); highest among the groups gnomAD compares: Admixed American, 0.0034%; no homozygotes.

Submission:

PreventionGenetics, part of Exact Sciences
Classification: Uncertain significance for TRIO-related condition. Last evaluated: 2024-12-20. Review status: criteria provided, single submitter. Criteria: ACMG Guidelines, 2015. Collection method: clinical testing. Allele origin: germline.
Comment: The TRIO c.6741G>C variant is predicted to result in the amino acid substitution p.Glu2247Asp. This variant was reported in an individual with mild intellectual disability; however, no additional evidence was provided to support pathogenicity (supp table 1, Ba et al. 2016. PubMed ID: 26721934). This variant is reported in 0.0057% of alleles in individuals of Latino descent in gnomAD. At this time, the clinical significance of this variant is uncertain due to the absence of conclusive functional and genetic evidence.

NM_007118.4(TRIO):c.6741G>C (p.Glu2247Asp)

Gene: TRIO (trio Rho guanine nucleotide exchange factor; plus strand). Cytogenetic location: 5p15.2.
Variant type: single nucleotide variant.
Coding change: c.6741G>C on transcript NM_007118.4 (MANE Select); coding-DNA position 6741, G replaced by C.
Protein change: p.Glu2247Asp; replaces glutamic acid 2247 with aspartic acid.
Molecular consequence: missense variant. On other transcripts: non-coding transcript variant (1).
Genome position (GRCh38, 1-based): chr5:14,485,152, G>C. VCF-style: chr5-14485152-G-C. GRCh37 (hg19) VCF-style: chr5-14485261-G-C.
Other names: short protein forms E2247D.
Identifiers: ClinVar variation 4983506 (VCV004983506.1).
Genomic context (GRCh38, chr5:14,485,152, plus strand): 5'-AAATGTGGAAAATGATCCCTGTAAATTTGCTCTGACATCGAGGACGGGTGACGTGGTAGA[G>C]ACCTTCATTTTGCATTCATCTAGTCCAAGTGTCCGGCAAACTTGGATCCATGAAATCAAC-3'
Protein context (NP_009049.2, residues 2237-2257): ALTSRTGDVV[Glu2247Asp]TFILHSSSPS